The following is an entry in ClinVar:

NM_001423532.1(FAM90A20):c.441G>C (p.Arg147Ser)

Gene: FAM90A20 (family with sequence similarity 90 member A20). Cytogenetic location: 8p23.1.
Variant type: single nucleotide variant.
Coding change: c.441G>C on transcript NM_001423532.1 (MANE Select); coding-DNA position 441, G replaced by C.
Protein change: p.Arg147Ser; replaces arginine 147 with serine.
Molecular consequence: missense variant.
Genome position (GRCh38, 1-based): chr8:7,297,070, G>C. VCF-style: chr8-7297070-G-C. GRCh37 (hg19) VCF-style: chr8-7154592-G-C.
Other names: short protein forms R147S.
Identifiers: ClinVar variation 4821184 (VCV004821184.4).
Genomic context (GRCh38, chr8:7,297,070, plus strand): 5'-TGTTGGCTCCATGCTGAGGAACTTCTAACCTGTGTTGTTTCCTCTCTTTCAGGTTGCAAG[G>C]GGGCCAATGCCGGTCCACACAACCTGTAAGAGGCCGCGCATGGACCCTGTCCTCTCTGGT-3'
Protein context (NP_001410461.1, residues 137-157): TESSDYLRVA[Arg147Ser]GPMPVHTTCK

ClinVar aggregate classification (germline): Likely benign (1 of 4 stars; one submission).

gnomAD v4.1: 3,475 of 1,505,818 alleles (0.23%); highest among the groups gnomAD compares: South Asian, 0.83%; 302 homozygotes.

Submission:

CeGaT Center for Human Genetics Tuebingen
Classification: Likely benign. Last evaluated: 2026-01-01. Review status: criteria provided, single submitter. Criteria: CeGaT Center For Human Genetics Tuebingen Variant Classification Criteria Version 2. Collection method: clinical testing. Allele origin: germline. Affected: yes. Observed: 1 variant allele.
Comment: FAM90A20: BS2